The following is an entry in ClinVar:

ClinVar aggregate classification (germline): Pathogenic. Review status: criteria provided, multiple submitters, no conflicts (2 of 4 stars). 3 submissions from 3 submitters: Pathogenic (2). 1 of the submissions does not count toward it. Last evaluated 2025-05-14.

Conditions:
Immunodeficiency-centromeric instability-facial anomalies syndrome 4 (ICF4). Identifiers: Orphanet 2268, MedGen C4310798, MONDO:0014829, OMIM 616911.

Allele frequency attached by ClinVar (database versions not stated): TOPMed below 0.00001; gnomAD exomes 0.00001.
gnomAD v4.1: 14 of 1,584,752 alleles (0.00088%); highest among the groups gnomAD compares: Non-Finnish European, 0.0012%; no homozygotes.

Submissions (3):

Labcorp Genetics (formerly Invitae), Labcorp
Classification: Pathogenic. Last evaluated: 2025-05-14. Review status: criteria provided, single submitter. Criteria: Invitae Variant Classification Sherloc (09022015). Collection method: clinical testing. Allele origin: germline.
Comment: This sequence change affects a donor splice site in intron 5 of the HELLS gene. RNA analysis indicates that disruption of this splice site induces altered splicing and may result in an absent or altered protein product. This variant is present in population databases (rs140316223, gnomAD 0.002%). Disruption of this splice site has been observed in individual(s) with immunodeficiency-centromeric instability-facial anomalies syndrome (PMID: 26216346). It has also been observed to segregate with disease in related individuals. ClinVar contains an entry for this variant (Variation ID: 225524). Studies have shown that disruption of this splice site results in skipping of exon 5, and produces a non-functional protein and/or introduces a premature termination codon (PMID: 26216346). For these reasons, this variant has been classified as Pathogenic.

Fulgent Genetics
Classification: Pathogenic for Immunodeficiency-centromeric instability-facial anomalies syndrome 4. Last evaluated: 2024-06-08. Review status: criteria provided, single submitter. Criteria: ACMG Guidelines, 2015. Collection method: clinical testing. Allele origin: germline.

OMIM
Classification: Pathogenic for IMMUNODEFICIENCY-CENTROMERIC INSTABILITY-FACIAL ANOMALIES SYNDROME 4. Last evaluated: 2016-04-21. Review status: no assertion criteria provided. Collection method: literature only. Allele origin: germline. Not counted in ClinVar's aggregate classification.

Literature cited by the submitters: PubMed 26216346 (cited by Labcorp Genetics (formerly Invitae), Labcorp and OMIM).

NM_018063.5(HELLS):c.370+2T>A

Gene: HELLS (helicase, lymphoid specific; plus strand). Cytogenetic location: 10q23.33.
Variant type: single nucleotide variant.
Coding change: c.370+2T>A on transcript NM_018063.5 (MANE Select); the canonical splice donor site of the intron after coding-DNA position 370, T replaced by A.
Molecular consequence: splice donor variant.
Genome position (GRCh38, 1-based): chr10:94,562,729, T>A. VCF-style: chr10-94562729-T-A. GRCh37 (hg19) VCF-style: chr10-96322486-T-A.
Other names: IVS5DS, T-A, +2; c.-3+2T>A (NM_001289071.2); c.370+2T>A (NM_001289067.2, NM_001289070.2, NM_001289069.2 and 1 more transcripts); c.-652+2T>A (NM_001289075.2); c.-633+2T>A (NM_001289074.2); c.21+2T>A (NM_001289073.2); c.322+2T>A (NM_001289068.2).
Identifiers: ClinVar variation 225524 (VCV000225524.7), dbSNP rs140316223, ClinGen allele CA10576021.